The following is an entry in ClinVar:

ClinVar aggregate classification (germline): Uncertain significance (0 of 4 stars; one submission).

Submission:

Leiden Open Variation Database
Classification: Uncertain significance. Last evaluated: 2019-08-13. Review status: no assertion criteria provided. Collection method: curation. Allele origin: germline. Affected: yes.
Comment: Curator: Arleen D. Auerbach. Submitter to LOVD: Yukihide Momozawa.

Literature cited by the submitters: PubMed 31214711.

NM_032043.3(BRIP1):c.2117A>C (p.Glu706Ala)

Gene: BRIP1 (BRCA1 interacting helicase 1; minus strand). Cytogenetic location: 17q23.2.
Variant type: single nucleotide variant.
Coding change: c.2117A>C on transcript NM_032043.3 (MANE Select); coding-DNA position 2117, A replaced by C.
Protein change: p.Glu706Ala; replaces glutamic acid 706 with alanine.
Molecular consequence: missense variant.
Genome position (GRCh38, 1-based): chr17:61,744,572, T>G on the plus strand (A>C on the coding strand, the complement: BRIP1 is on the minus strand). VCF-style: chr17-61744572-T-G. GRCh37 (hg19) VCF-style: chr17-59821933-T-G.
Other names: short protein forms E706A.
Identifiers: ClinVar variation 929548 (VCV000929548.1), dbSNP rs2077034373, ClinGen allele CA400483326.